The following is an entry in ClinVar:

NM_004304.5(ALK):c.2771G>C (p.Gly924Ala)

Gene: ALK (ALK receptor tyrosine kinase; minus strand). Cytogenetic location: 2p23.2.
Variant type: single nucleotide variant.
Coding change: c.2771G>C on transcript NM_004304.5 (MANE Select); coding-DNA position 2771, G replaced by C.
Protein change: p.Gly924Ala; replaces glycine 924 with alanine.
Molecular consequence: missense variant.
Genome position (GRCh38, 1-based): chr2:29,228,928, C>G on the plus strand (G>C on the coding strand, the complement: ALK is on the minus strand). VCF-style: chr2-29228928-C-G. GRCh37 (hg19) VCF-style: chr2-29451794-C-G.
Other names: c.2771G>C (NM_004304.4); short protein forms G924A.
Identifiers: ClinVar variation 3672161 (VCV003672161.3).

ClinVar aggregate classification (germline): Uncertain significance. Review status: criteria provided, multiple submitters, no conflicts (2 of 4 stars). 2 submissions from 2 submitters: Uncertain significance (2). Last evaluated 2025-09-04.

Conditions:
Hereditary cancer-predisposing syndrome. Also called: Hereditary Cancer Syndrome; Tumor predisposition; Hereditary neoplastic syndrome; Neoplastic Syndromes, Hereditary. Identifiers: Orphanet 140162, MedGen C0027672, MeSH D009386, MONDO:0015356.
Neuroblastoma, susceptibility to, 3. Also called: ALK-Related Neuroblastic Tumor Susceptibility. Identifiers: Orphanet 635, MedGen C2751681, MONDO:0013083, OMIM 613014.

gnomAD v4.1: 1 of 1,498,210 alleles (0.000067%); highest among the groups gnomAD compares: Non-Finnish European, 0.000093%; no homozygotes.

Submissions (2):

Ambry Genetics
Classification: Uncertain significance for Hereditary cancer-predisposing syndrome. Last evaluated: 2025-09-04. Review status: criteria provided, single submitter. Criteria: Ambry Variant Classification Scheme 2023. Collection method: clinical testing. Allele origin: germline.
Comment: The p.G924A variant (also known as c.2771G>C), located in coding exon 16 of the ALK gene, results from a G to C substitution at nucleotide position 2771. The glycine at codon 924 is replaced by alanine, an amino acid with similar properties. This amino acid position is conserved. In addition, this alteration is predicted to be tolerated by in silico analysis. Based on the available evidence, the clinical significance of this variant remains unclear.

Labcorp Genetics (formerly Invitae), Labcorp
Classification: Uncertain significance for Neuroblastoma, susceptibility to, 3. Last evaluated: 2024-03-03. Review status: criteria provided, single submitter. Criteria: Invitae Variant Classification Sherloc (09022015). Collection method: clinical testing. Allele origin: germline.
Comment: This sequence change replaces glycine, which is neutral and non-polar, with alanine, which is neutral and non-polar, at codon 924 of the ALK protein (p.Gly924Ala). This variant is not present in population databases (gnomAD no frequency). This variant has not been reported in the literature in individuals affected with ALK-related conditions. An algorithm developed to predict the effect of missense changes on protein structure and function (PolyPhen-2) suggests that this variant is likely to be disruptive. In summary, the available evidence is currently insufficient to determine the role of this variant in disease. Therefore, it has been classified as a Variant of Uncertain Significance.